The following is an entry in ClinVar:

ClinVar aggregate classification (germline): Uncertain significance. Review status: criteria provided, multiple submitters, no conflicts (2 of 4 stars). 2 submissions from 2 submitters: Uncertain significance (2). Last evaluated 2025-01-17.

Allele frequency attached by ClinVar (database versions not stated): gnomAD exomes below 0.00001; TOPMed below 0.00001; ExAC 0.00001; gnomAD 0.00001; 1000 Genomes Project 30x 0.00016; 1000 Genomes Project 0.00020.
gnomAD v4.1: 4 of 1,614,160 alleles (0.00025%); highest among the groups gnomAD compares: Admixed American, 0.0017%; no homozygotes.

Submissions (2):

GeneDx
Classification: Uncertain significance. Last evaluated: 2025-01-17. Review status: criteria provided, single submitter. Criteria: GeneDx Variant Classification Process June 2021. Collection method: clinical testing. Allele origin: germline. Affected: yes.
Comment: In silico analysis supports that this missense variant has a deleterious effect on protein structure/function; Has not been previously published as pathogenic or benign to our knowledge.

Labcorp Genetics (formerly Invitae), Labcorp
Classification: Uncertain significance. Last evaluated: 2021-09-26. Review status: criteria provided, single submitter. Criteria: Invitae Variant Classification Sherloc (09022015). Collection method: clinical testing. Allele origin: germline.
Comment: This sequence change replaces arginine with tryptophan at codon 637 of the PITPNM3 protein (p.Arg637Trp). The arginine residue is highly conserved and there is a moderate physicochemical difference between arginine and tryptophan. This variant is present in population databases (rs538014805, ExAC 0.009%). This variant has not been reported in the literature in individuals affected with PITPNM3-related conditions. Algorithms developed to predict the effect of missense changes on protein structure and function are either unavailable or do not agree on the potential impact of this missense change (SIFT: "Deleterious"; PolyPhen-2: "Benign"; Align-GVGD: "Class C0"). In summary, the available evidence is currently insufficient to determine the role of this variant in disease. Therefore, it has been classified as a Variant of Uncertain Significance.

NM_031220.4(PITPNM3):c.1909C>T (p.Arg637Trp)

Gene: PITPNM3 (PITPNM family member 3; minus strand). Cytogenetic location: 17p13.2.
Variant type: single nucleotide variant.
Coding change: c.1909C>T on transcript NM_031220.4 (MANE Select); coding-DNA position 1909, C replaced by T.
Protein change: p.Arg637Trp; replaces arginine 637 with tryptophan.
Molecular consequence: missense variant.
Genome position (GRCh38, 1-based): chr17:6,464,753, G>A on the plus strand (C>T on the coding strand, the complement: PITPNM3 is on the minus strand). VCF-style: chr17-6464753-G-A. GRCh37 (hg19) VCF-style: chr17-6368073-G-A.
Other names: c.1801C>T, p.Arg601Trp (NM_001165966.2); c.1909C>T (NM_031220.3); short protein forms R637W, R601W.
Identifiers: ClinVar variation 1383479 (VCV001383479.7), dbSNP rs538014805, ClinGen allele CA8329328.